The following is an entry in ClinVar:

NM_006939.4(SOS2):c.2323A>G (p.Met775Val)

Gene: SOS2 (SOS Ras/Rho guanine nucleotide exchange factor 2; minus strand). Cytogenetic location: 14q21.3.
Variant type: single nucleotide variant.
Coding change: c.2323A>G on transcript NM_006939.4 (MANE Select); coding-DNA position 2323, A replaced by G.
Protein change: p.Met775Val; replaces methionine 775 with valine.
Molecular consequence: missense variant.
Genome position (GRCh38, 1-based): chr14:50,150,069, T>C on the plus strand (A>G on the coding strand, the complement: SOS2 is on the minus strand). VCF-style: chr14-50150069-T-C. GRCh37 (hg19) VCF-style: chr14-50616787-T-C.
Other names: c.2224A>G, p.Met742Val (NM_001411020.1); short protein forms M742V, M775V.
Identifiers: ClinVar variation 2448243 (VCV002448243.2), dbSNP rs1332283721, ClinGen allele CA389643710.

ClinVar aggregate classification (germline): Uncertain significance (1 of 4 stars; one submission).

Conditions:
Cardiovascular phenotype. Identifiers: MedGen CN230736.

gnomAD v4.1: 4 of 1,607,988 alleles (0.00025%); highest among the groups gnomAD compares: East Asian, 0.0022%; no homozygotes.

Submission:

Ambry Genetics
Classification: Uncertain significance for Cardiovascular phenotype. Last evaluated: 2022-11-17. Review status: criteria provided, single submitter. Criteria: Ambry Variant Classification Scheme 2023. Collection method: clinical testing. Allele origin: germline.
Comment: The p.M775V variant (also known as c.2323A>G), located in coding exon 14 of the SOS2 gene, results from an A to G substitution at nucleotide position 2323. The methionine at codon 775 is replaced by valine, an amino acid with highly similar properties. This amino acid position is conserved. In addition, this alteration is predicted to be tolerated by in silico analysis. Since supporting evidence is limited at this time, the clinical significance of this alteration remains unclear.